The following is an entry in ClinVar:

ClinVar aggregate classification (germline): Uncertain significance (1 of 4 stars; one submission).

Allele frequency attached by ClinVar (database versions not stated): gnomAD exomes below 0.00001.
gnomAD v4.1: 4 of 1,409,920 alleles (0.00028%); highest among the groups gnomAD compares: South Asian, 0.0015%; no homozygotes.

Submission:

CeGaT Center for Human Genetics Tuebingen
Classification: Uncertain significance. Last evaluated: 2022-05-01. Review status: criteria provided, single submitter. Criteria: CeGaT Center For Human Genetics Tuebingen Variant Classification Criteria Version 2. Collection method: clinical testing. Allele origin: germline. Affected: yes. Observed: 1 variant allele.
Comment: RYR1: PM2, PP3

NM_000540.3(RYR1):c.13424A>G (p.Lys4475Arg)

Gene: RYR1 (ryanodine receptor 1; plus strand). Cytogenetic location: 19q13.2.
Variant type: single nucleotide variant.
Coding change: c.13424A>G on transcript NM_000540.3 (MANE Select); coding-DNA position 13424, A replaced by G.
Protein change: p.Lys4475Arg; replaces lysine 4475 with arginine.
Molecular consequence: missense variant.
Genome position (GRCh38, 1-based): chr19:38,565,758, A>G. VCF-style: chr19-38565758-A-G. GRCh37 (hg19) VCF-style: chr19-39056398-A-G.
Other names: c.13409A>G, p.Lys4470Arg (NM_001042723.2); short protein forms K4470R, K4475R.
Identifiers: ClinVar variation 2649815 (VCV002649815.24), dbSNP rs1973390131, ClinGen allele CA405675827.
Genomic context (GRCh38, chr19:38,565,758, plus strand): 5'-GGGACATGGGGGACACGACGCCTGCGGAACCGCCCACACCCGAGGGCTCTCCCATCCTCA[A>G]GAGGAAATTGGGGGTGAGAGAGCAGGCGGGGTTTTGGGGTTTTGGAAAGATGGGGGATTG-3'
Protein context (NP_000531.2, residues 4465-4485): PPTPEGSPIL[Lys4475Arg]RKLGVDGVEE